The following is an entry in ClinVar:

ClinVar aggregate classification (germline): Uncertain significance (1 of 4 stars; one submission).

Conditions:
Hereditary cancer-predisposing syndrome. Also called: Tumor predisposition; Neoplastic Syndromes, Hereditary; Hereditary neoplastic syndrome; Hereditary Cancer Syndrome. Identifiers: Orphanet 140162, MedGen C0027672, MeSH D009386, MONDO:0015356.

Submission:

Ambry Genetics
Classification: Uncertain significance for Hereditary cancer-predisposing syndrome. Last evaluated: 2025-07-17. Review status: criteria provided, single submitter. Criteria: Ambry Variant Classification Scheme 2023. Collection method: clinical testing. Allele origin: germline.
Comment: The p.D1058N variant (also known as c.3172G>A), located in coding exon 4 of the MSH6 gene, results from a G to A substitution at nucleotide position 3172. The aspartic acid at codon 1058 is replaced by asparagine, an amino acid with highly similar properties. However, this change occurs in the last base pair of coding exon 4, which makes it likely to have some effect on normal mRNA splicing. This nucleotide position is highly conserved in available vertebrate species. This amino acid position is highly conserved in available vertebrate species. In silico splice site analysis predicts that this alteration may weaken the native splice donor site. In addition, as a missense substitution this is predicted to be deleterious by in silico analysis. Based on the available evidence, the clinical significance of this variant remains unclear.

NM_000179.3(MSH6):c.3172G>A (p.Asp1058Asn)

Gene: MSH6 (mutS homolog 6; plus strand). Cytogenetic location: 2p16.3.
Variant type: single nucleotide variant.
Coding change: c.3172G>A on transcript NM_000179.3 (MANE Select); coding-DNA position 3172, G replaced by A.
Protein change: p.Asp1058Asn; replaces aspartic acid 1058 with asparagine.
Molecular consequence: missense variant. On other transcripts: non-coding transcript variant (5), intron variant (2).
Genome position (GRCh38, 1-based): chr2:47,801,155, G>A. VCF-style: chr2-47801155-G-A. GRCh37 (hg19) VCF-style: chr2-48028294-G-A.
Other names: c.2647G>A, p.Asp883Asn (NM_001406799.1, NM_001406806.1, NM_001406807.1); c.3172G>A, p.Asp1058Asn (NM_001406800.1, NM_001406808.1, NM_001406809.1 and 1 more transcripts); c.2875G>A, p.Asp959Asn (NM_001406801.1, NM_001406805.1, NM_001406821.1 and 10 more transcripts); c.3268G>A, p.Asp1090Asn (NM_001406802.1, NM_001406795.1); c.3094G>A, p.Asp1032Asn (NM_001406804.1); c.2266G>A, p.Asp756Asn (NM_001406823.1, NM_001406829.1, NM_001281493.2 and 6 more transcripts); c.3004G>A, p.Asp1002Asn (NM_001406826.1); c.2782G>A, p.Asp928Asn (NM_001281492.2); and 5 more; short protein forms D1032N, D1058N, D373N, D928N, G1058S, D959N, D1060N, D756N.
Identifiers: ClinVar variation 4111200 (VCV004111200.1).